The following is an entry in ClinVar:

ClinVar aggregate classification (germline): Uncertain significance (1 of 4 stars; one submission).

gnomAD v4.1: 1 of 1,613,518 alleles (0.000062%); highest among the groups gnomAD compares: Admixed American, 0.0017%; no homozygotes.

Submission:

GeneDx
Classification: Uncertain significance. Last evaluated: 2026-05-19. Review status: criteria provided, single submitter. Criteria: GeneDx Variant Classification Process June 2021. Collection method: clinical testing. Allele origin: germline.
Comment: Not observed at significant frequency in large population cohorts (gnomAD); Missense variant in a gene in which most reported pathogenic variants are truncating/loss of function; Has not been previously published as pathogenic or benign to our knowledge

NM_001267550.2(TTN):c.39097C>A (p.Pro13033Thr)

Gene: TTN (titin; minus strand). Cytogenetic location: 2q31.2.
Variant type: single nucleotide variant.
Coding change: c.39097C>A on transcript NM_001267550.2 (MANE Select); coding-DNA position 39097, C replaced by A.
Protein change: p.Pro13033Thr; replaces proline 13033 with threonine.
Molecular consequence: missense variant. On other transcripts: intron variant (3).
Genome position (GRCh38, 1-based): chr2:178,652,488, G>T on the plus strand (C>A on the coding strand, the complement: TTN is on the minus strand). VCF-style: chr2-178652488-G-T. GRCh37 (hg19) VCF-style: chr2-179517215-G-T.
Other names: c.34576C>A, p.Pro11526Thr (NM_001256850.1); c.31795C>A, p.Pro10599Thr (NM_133378.4); c.13283-10171C>A (NM_003319.4); c.13859-10171C>A (NM_133437.4); c.13658-10171C>A (NM_133432.3); short protein forms P10599T, P11526T, P13033T.
Identifiers: ClinVar variation 3367755 (VCV003367755.2).